The following is an entry in ClinVar:

ClinVar aggregate classification (germline): Uncertain significance. Review status: criteria provided, multiple submitters, no conflicts (2 of 4 stars). 2 submissions from 2 submitters: Uncertain significance (2). Last evaluated 2026-03-24.

Conditions:
Inborn genetic diseases. Identifiers: MedGen C0950123, MeSH D030342.

gnomAD v4.1: 4 of 1,614,236 alleles (0.00025%); highest among the groups gnomAD compares: Non-Finnish European, 0.00034%; no homozygotes.

Submissions (2):

GeneDx
Classification: Uncertain significance. Last evaluated: 2026-03-24. Review status: criteria provided, single submitter. Criteria: GeneDx Variant Classification Process June 2021. Collection method: clinical testing. Allele origin: germline.
Comment: Not observed at significant frequency in large population cohorts (gnomAD); In silico analysis supports that this missense variant has a deleterious effect on protein structure/function; Has not been previously published as pathogenic or benign to our knowledge; This variant is associated with the following publications: (PMID: 28555414, 28637624)

Ambry Genetics
Classification: Uncertain significance for Inborn genetic diseases. Last evaluated: 2024-12-08. Review status: criteria provided, single submitter. Criteria: Ambry Variant Classification Scheme 2023. Collection method: clinical testing. Allele origin: germline.
Comment: The p.A73S variant (also known as c.217G>T), located in coding exon 3 of the ETV6 gene, results from a G to T substitution at nucleotide position 217. The alanine at codon 73 is replaced by serine, an amino acid with similar properties. This amino acid position is conserved. In addition, the in silico prediction for this alteration is inconclusive. Based on the available evidence, the clinical significance of this variant remains unclear.

NM_001987.5(ETV6):c.217G>T (p.Ala73Ser)

Genes: ETV6 (ETS variant transcription factor 6; plus strand), LOC126861451 (BRD4-independent group 4 enhancer GRCh37_chr12:11991350-11992549; plus strand). Cytogenetic location: 12p13.2.
Variant type: single nucleotide variant.
Coding change: c.217G>T on transcript NM_001987.5 (MANE Select); coding-DNA position 217, G replaced by T.
Protein change: p.Ala73Ser; replaces alanine 73 with serine.
Molecular consequence: missense variant. On other transcripts: 5 prime UTR variant (1).
Genome position (GRCh38, 1-based): chr12:11,839,193, G>T. VCF-style: chr12-11839193-G-T. GRCh37 (hg19) VCF-style: chr12-11992127-G-T.
Other names: c.214G>T, p.Ala72Ser (NM_001413913.1); c.190G>T, p.Ala64Ser (NM_001413914.1); c.-48G>T (NM_001413915.1); c.217G>T, p.Ala73Ser (NM_001413916.1, NM_001413917.1, NM_001413918.1); short protein forms A64S, A73S, A72S.
Identifiers: ClinVar variation 3510608 (VCV003510608.3).
Genomic context (GRCh38, chr12:11,839,193, plus strand): 5'-CCAACAGGCTTGCAGCCAATTTACTGGAGCAGGGATGACGTAGCCCAGTGGCTCAAGTGG[G>T]CTGAAAATGAGTTTTCTTTAAGGCCAATTGACAGCAACACGTTTGAAATGAATGGCAAAG-3'
Protein context (NP_001978.1, residues 63-83): RDDVAQWLKW[Ala73Ser]ENEFSLRPID